The following is an entry in ClinVar:

ClinVar aggregate classification (germline): Likely pathogenic (1 of 4 stars; one submission).

Conditions:
Hereditary cancer-predisposing syndrome. Also called: Neoplastic Syndromes, Hereditary; Tumor predisposition; Hereditary Cancer Syndrome; Hereditary neoplastic syndrome. Identifiers: Orphanet 140162, MedGen C0027672, MeSH D009386, MONDO:0015356.

Submission:

Labcorp Genetics (formerly Invitae), Labcorp
Classification: Likely pathogenic for Hereditary cancer-predisposing syndrome. Last evaluated: 2022-06-12. Review status: criteria provided, single submitter. Criteria: Invitae Variant Classification Sherloc (09022015). Collection method: clinical testing. Allele origin: germline.
Comment: This sequence change affects an acceptor splice site in intron 19 of the RAD50 gene. It is expected to disrupt RNA splicing. Variants that disrupt the donor or acceptor splice site typically lead to a loss of protein function (PMID: 16199547), and loss-of-function variants in RAD50 are known to be pathogenic (PMID: 19409520). This variant is not present in population databases (gnomAD no frequency). This variant has not been reported in the literature in individuals affected with RAD50-related conditions. ClinVar contains an entry for this variant (Variation ID: 457430). Algorithms developed to predict the effect of sequence changes on RNA splicing suggest that this variant may disrupt the consensus splice site. In summary, the currently available evidence indicates that the variant is pathogenic, but additional data are needed to prove that conclusively. Therefore, this variant has been classified as Likely Pathogenic.

Literature cited by the submitters: PubMed 16199547; PubMed 19409520.

NM_005732.4(RAD50):c.3037-2A>G

Gene: RAD50 (RAD50 double strand break repair protein; plus strand). Cytogenetic location: 5q31.1.
Variant type: single nucleotide variant.
Coding change: c.3037-2A>G on transcript NM_005732.4 (MANE Select); the canonical splice acceptor site of the intron before coding-DNA position 3037, A replaced by G.
Molecular consequence: splice acceptor variant.
Genome position (GRCh38, 1-based): chr5:132,616,001, A>G. VCF-style: chr5-132616001-A-G. GRCh37 (hg19) VCF-style: chr5-131951693-A-G.
Identifiers: ClinVar variation 457430 (VCV000457430.7), dbSNP rs1554099774, ClinGen allele CA360963349.